The following is an entry in ClinVar:

NM_002439.5(MSH3):c.1805A>T (p.His602Leu)

Gene: MSH3 (mutS homolog 3; plus strand). Cytogenetic location: 5q14.1.
Variant type: single nucleotide variant.
Coding change: c.1805A>T on transcript NM_002439.5 (MANE Select); coding-DNA position 1805, A replaced by T.
Protein change: p.His602Leu; replaces histidine 602 with leucine.
Molecular consequence: missense variant.
Genome position (GRCh38, 1-based): chr5:80,761,587, A>T. VCF-style: chr5-80761587-A-T. GRCh37 (hg19) VCF-style: chr5-80057406-A-T.
Other names: short protein forms H602L.
Identifiers: ClinVar variation 1476337 (VCV001476337.6), dbSNP rs77904128, ClinGen allele CA360276549.

ClinVar aggregate classification (germline): Uncertain significance (1 of 4 stars; one submission).

Submission:

Labcorp Genetics (formerly Invitae), Labcorp
Classification: Uncertain significance. Last evaluated: 2024-03-04. Review status: criteria provided, single submitter. Criteria: Invitae Variant Classification Sherloc (09022015). Collection method: clinical testing. Allele origin: germline.
Comment: This sequence change replaces histidine, which is basic and polar, with leucine, which is neutral and non-polar, at codon 602 of the MSH3 protein (p.His602Leu). This variant is not present in population databases (gnomAD no frequency). This variant has not been reported in the literature in individuals affected with MSH3-related conditions. ClinVar contains an entry for this variant (Variation ID: 1476337). Algorithms developed to predict the effect of missense changes on protein structure and function output the following: SIFT: "Not Available"; PolyPhen-2: "Benign"; Align-GVGD: "Not Available". The leucine amino acid residue is found in multiple mammalian species, which suggests that this missense change does not adversely affect protein function. In summary, the available evidence is currently insufficient to determine the role of this variant in disease. Therefore, it has been classified as a Variant of Uncertain Significance.